The following is an entry in ClinVar:

NM_015338.6(ASXL1):c.3371C>G (p.Pro1124Arg)

Gene: ASXL1 (ASXL transcriptional regulator 1; plus strand). Cytogenetic location: 20q11.21.
Variant type: single nucleotide variant.
Coding change: c.3371C>G on transcript NM_015338.6 (MANE Select); coding-DNA position 3371, C replaced by G.
Protein change: p.Pro1124Arg; replaces proline 1124 with arginine.
Molecular consequence: missense variant.
Genome position (GRCh38, 1-based): chr20:32,436,083, C>G. VCF-style: chr20-32436083-C-G. GRCh37 (hg19) VCF-style: chr20-31023886-C-G.
Other names: c.3188C>G, p.Pro1063Arg (NM_001363734.1); short protein forms P1063R, P1124R.
Identifiers: ClinVar variation 3439608 (VCV003439608.1).

ClinVar aggregate classification (germline): Uncertain significance (1 of 4 stars; one submission).

Conditions:
Inborn genetic diseases. Identifiers: MedGen C0950123, MeSH D030342.

gnomAD v4.1: 61 of 1,614,182 alleles (0.0038%); highest among the groups gnomAD compares: Non-Finnish European, 0.0052%; no homozygotes.

Submission:

Ambry Genetics
Classification: Uncertain significance for Inborn genetic diseases. Last evaluated: 2024-12-07. Review status: criteria provided, single submitter. Criteria: Ambry Variant Classification Scheme 2023. Collection method: clinical testing. Allele origin: germline.
Comment: The p.P1124R variant (also known as c.3371C>G), located in coding exon 13 of the ASXL1 gene, results from a C to G substitution at nucleotide position 3371. The proline at codon 1124 is replaced by arginine, an amino acid with dissimilar properties. This amino acid position is conserved. In addition, this alteration is predicted to be tolerated by in silico analysis. Based on the available evidence, the clinical significance of this variant remains unclear.